The following is an entry in ClinVar:

ClinVar aggregate classification (germline): Pathogenic (1 of 4 stars; one submission).

Conditions:
Brachydactyly type B1 (BDB1). Identifiers: Orphanet 572385, Orphanet 93383, MedGen C1862112, MONDO:0007220, OMIM 113000.

Submission:

Juno Genomics, Hangzhou Juno Genomics, Inc
Classification: Pathogenic for Brachydactyly type B1. Review status: criteria provided, single submitter. Criteria: ACMG Guidelines, 2015. Collection method: clinical testing. Allele origin: germline. Affected: yes.
Comment: Null variant in a gene where loss of function (LOF) is a known mechanism of disease.;Absent from controls (or at extremely low frequency if recessive) in Genome Aggregation Database, Exome Sequencing Project, 1000 Genomes Project, or Exome Aggregation Consortium.;Patient's phenotype or family history is highly specific for a disease with a single genetic etiology.

NM_004560.4(ROR2):c.1205dup (p.Met402fs)

Gene: ROR2 (receptor tyrosine kinase like orphan receptor 2; minus strand). Cytogenetic location: 9q22.31.
Variant type: Duplication.
Coding change: c.1205dup on transcript NM_004560.4 (MANE Select); coding-DNA position 1205, one base duplicated (T; older notation c.1205dupT).
Protein change: p.Met402fs; shifts the reading frame from methionine 402.
Molecular consequence: frameshift variant.
Genome position (GRCh38, 1-based): chr9:91,726,722, A duplicated on the plus strand (T on the coding strand, the reverse complement: ROR2 is on the minus strand). VCF-style (leftmost placement, unchanged base first): chr9-91726721-C-CA. GRCh37 (hg19) VCF-style: chr9-94489003-C-CA.
Other names: c.1171dup, p.Trp391fs (NM_001318204.2); short protein forms M402fs, W391fs.
Identifiers: ClinVar variation 3381923 (VCV003381923.2).